The following is an entry in ClinVar:

NM_017636.4(TRPM4):c.3038C>T (p.Ser1013Phe)

Gene: TRPM4 (transient receptor potential cation channel subfamily M member 4; plus strand). Cytogenetic location: 19q13.33.
Variant type: single nucleotide variant.
Coding change: c.3038C>T on transcript NM_017636.4 (MANE Select); coding-DNA position 3038, C replaced by T.
Protein change: p.Ser1013Phe; replaces serine 1013 with phenylalanine.
Molecular consequence: missense variant.
Genome position (GRCh38, 1-based): chr19:49,202,048, C>T. VCF-style: chr19-49202048-C-T. GRCh37 (hg19) VCF-style: chr19-49705305-C-T.
Other names: c.2603C>T, p.Ser868Phe (NM_001195227.2); c.2693C>T, p.Ser898Phe (NM_001321281.2); c.1430C>T, p.Ser477Phe (NM_001321282.2); c.2516C>T, p.Ser839Phe (NM_001321283.2); c.1976C>T, p.Ser659Phe (NM_001321285.2); short protein forms S477F, S659F, S868F, S1013F, S839F, S898F.
Identifiers: ClinVar variation 2097989 (VCV002097989.4), dbSNP rs2514209508, ClinGen allele CA406812831.
Genomic context (GRCh38, chr19:49,202,048, plus strand): 5'-GCTCGTCGGAGCCCGGCTTCTGGGCACACCCTCCTGGGGCCCAGGCGGGCACCTGCGTCT[C>T]CCAGTATGCCAACTGGCTGGTGGTGCTGCTCCTCGTCATCTTCCTGCTCGTGGCCAACAT-3'
Protein context (NP_060106.2, residues 1003-1023): PPGAQAGTCV[Ser1013Phe]QYANWLVVLL

ClinVar aggregate classification (germline): Uncertain significance (1 of 4 stars; one submission).

Conditions:
Progressive familial heart block type IB (PFHB1B). Identifiers: Orphanet 871, MedGen C1970298, MONDO:0011474, OMIM 604559.

gnomAD v4.1: 3 of 1,614,050 alleles (0.00019%); highest among the groups gnomAD compares: Non-Finnish European, 0.00025%; no homozygotes.

Submission:

Labcorp Genetics (formerly Invitae), Labcorp
Classification: Uncertain significance for Progressive familial heart block type IB. Last evaluated: 2022-02-17. Review status: criteria provided, single submitter. Criteria: Invitae Variant Classification Sherloc (09022015). Collection method: clinical testing. Allele origin: germline.
Comment: This sequence change replaces serine, which is neutral and polar, with phenylalanine, which is neutral and non-polar, at codon 1013 of the TRPM4 protein (p.Ser1013Phe). This variant is not present in population databases (gnomAD no frequency). This variant has not been reported in the literature in individuals affected with TRPM4-related conditions. Algorithms developed to predict the effect of missense changes on protein structure and function are either unavailable or do not agree on the potential impact of this missense change (SIFT: "Deleterious"; PolyPhen-2: "Possibly Damaging"; Align-GVGD: "Class C0"). In summary, the available evidence is currently insufficient to determine the role of this variant in disease. Therefore, it has been classified as a Variant of Uncertain Significance.